The following is an entry in ClinVar:

NM_005422.4(TECTA):c.2674C>A (p.Leu892Met)

Genes: TECTA (tectorin alpha; plus strand), TBCEL-TECTA (TBCEL-TECTA readthrough; plus strand), LOC126861365 (P300/CBP strongly-dependent group 1 enhancer GRCh37_chr11:121000154-121001353; plus strand). Cytogenetic location: 11q23.3.
Variant type: single nucleotide variant.
Coding change: c.2674C>A on transcript NM_005422.4 (MANE Select); coding-DNA position 2674, C replaced by A.
Protein change: p.Leu892Met; replaces leucine 892 with methionine.
Molecular consequence: missense variant.
Genome position (GRCh38, 1-based): chr11:121,129,944, C>A. VCF-style: chr11-121129944-C-A. GRCh37 (hg19) VCF-style: chr11-121000653-C-A.
Other names: short protein forms L892M.
Identifiers: ClinVar variation 877662 (VCV000877662.10), dbSNP rs748088048, ClinGen allele CA6327038.

ClinVar aggregate classification (germline): Uncertain significance. Review status: criteria provided, multiple submitters, no conflicts (2 of 4 stars). 5 submissions from 4 submitters: Uncertain significance (5). Last evaluated 2025-12-03.

Conditions:
Inborn genetic diseases. Identifiers: MedGen C0950123, MeSH D030342.
Autosomal dominant nonsyndromic hearing loss 12. Also called: DEAFNESS, AUTOSOMAL DOMINANT 8. Identifiers: Orphanet 90635, MedGen C1832187, MONDO:0011102, OMIM 601543.
Autosomal recessive nonsyndromic hearing loss 21. Identifiers: Orphanet 90636, MedGen C1863655, MONDO:0011351, OMIM 603629.

Allele frequency attached by ClinVar (database versions not stated): gnomAD 0.00001; TOPMed 0.00001; ExAC 0.00002; gnomAD exomes 0.00002.
gnomAD v4.1: 18 of 1,608,474 alleles (0.0011%); highest among the groups gnomAD compares: Middle Eastern, 0.017%; no homozygotes.

Submissions (5):

GeneDx
Classification: Uncertain significance. Last evaluated: 2025-12-03. Review status: criteria provided, single submitter. Criteria: GeneDx Variant Classification Process June 2021. Collection method: clinical testing. Allele origin: germline. Affected: yes.
Comment: In silico analysis suggests that this missense variant does not alter protein structure/function; Has not been previously published as pathogenic or benign to our knowledge; This variant is associated with the following publications: (PMID: 31554319, 9590290, 21520338)

Ambry Genetics
Classification: Uncertain significance for Inborn genetic diseases. Last evaluated: 2021-08-02. Review status: criteria provided, single submitter. Criteria: Ambry Variant Classification Scheme 2023. Collection method: clinical testing. Allele origin: germline.

Illumina Laboratory Services, Illumina
Classification: Uncertain significance for Autosomal dominant nonsyndromic hearing loss 12. Last evaluated: 2018-01-13. Review status: criteria provided, single submitter. Criteria: ICSL Variant Classification Criteria 13 December 2019. Collection method: clinical testing. Allele origin: germline.

Illumina Laboratory Services, Illumina
Classification: Uncertain significance for Autosomal recessive nonsyndromic hearing loss 21. Last evaluated: 2018-01-13. Review status: criteria provided, single submitter. Criteria: ICSL Variant Classification Criteria 13 December 2019. Collection method: clinical testing. Allele origin: germline.

Breakthrough Genomics
Classification: Uncertain significance. Review status: criteria provided, single submitter. Criteria: ACMG Guidelines, 2015. Collection method: not provided. Allele origin: germline. Inheritance: Autosomal recessive inheritance. Affected: yes.